The following is an entry in ClinVar:

ClinVar aggregate classification (germline): Uncertain significance. Review status: criteria provided, multiple submitters, no conflicts (2 of 4 stars). 2 submissions from 2 submitters: Uncertain significance (2). Last evaluated 2021-05-27.

Conditions:
Charcot-Marie-Tooth disease axonal type 2C (HMSN2C). Also called: Charcot-Marie-Tooth Disease Type 2, TRPV4-Related (CMT2C); CHARCOT-MARIE-TOOTH DISEASE, AXONAL, AUTOSOMAL DOMINANT, TYPE 2C; Charcot-Marie-Tooth Neuropathy Type 2C. Identifiers: Orphanet 99937, MedGen C1853710, MONDO:0011633, OMIM 606071.

Allele frequency attached by ClinVar (database versions not stated): gnomAD exomes below 0.00001 and 0.00001; ExAC 0.00001.

Submissions (2):

Labcorp Genetics (formerly Invitae), Labcorp
Classification: Uncertain significance for Charcot-Marie-Tooth disease axonal type 2C. Last evaluated: 2021-05-27. Review status: criteria provided, single submitter. Criteria: Invitae Variant Classification Sherloc (09022015). Collection method: clinical testing. Allele origin: germline.
Comment: In summary, the available evidence is currently insufficient to determine the role of this variant in disease. Therefore, it has been classified as a Variant of Uncertain Significance. Advanced modeling of protein sequence and biophysical properties (such as structural, functional, and spatial information, amino acid conservation, physicochemical variation, residue mobility, and thermodynamic stability) performed at Invitae indicates that this missense variant is not expected to disrupt TRPV4 protein function. This variant has not been reported in the literature in individuals with TRPV4-related conditions. This variant is present in population databases (rs747135844, ExAC 0.006%). This sequence change replaces arginine with cysteine at codon 114 of the TRPV4 protein (p.Arg114Cys). The arginine residue is weakly conserved and there is a large physicochemical difference between arginine and cysteine.

Blueprint Genetics
Classification: Uncertain significance. Last evaluated: 2020-11-02. Review status: criteria provided, single submitter. Criteria: ACMG Guidelines, 2015. Collection method: clinical testing. Allele origin: germline.

NM_021625.5(TRPV4):c.340C>T (p.Arg114Cys)

Gene: TRPV4 (transient receptor potential cation channel subfamily V member 4; minus strand). Cytogenetic location: 12q24.11.
Variant type: single nucleotide variant.
Coding change: c.340C>T on transcript NM_021625.5 (MANE Select); coding-DNA position 340, C replaced by T.
Protein change: p.Arg114Cys; replaces arginine 114 with cysteine.
Molecular consequence: missense variant.
Genome position (GRCh38, 1-based): chr12:109,814,457, G>A on the plus strand (C>T on the coding strand, the complement: TRPV4 is on the minus strand). VCF-style: chr12-109814457-G-A. GRCh37 (hg19) VCF-style: chr12-110252262-G-A.
Other names: c.340C>T, p.Arg114Cys (NM_001177428.2, NM_001177433.2, NM_147204.3); c.238C>T, p.Arg80Cys (NM_001177431.2); short protein forms R114C, R80C.
Identifiers: ClinVar variation 1224459 (VCV001224459.10), dbSNP rs747135844, ClinGen allele CA6780577.